The following is an entry in ClinVar:

ClinVar aggregate classification (germline): Uncertain significance (1 of 4 stars; one submission).

Submission:

Women's Health and Genetics/Laboratory Corporation of America, LabCorp
Classification: Uncertain significance. Last evaluated: 2024-08-21. Review status: criteria provided, single submitter. Criteria: LabCorp Variant Classification Summary - May 2015. Collection method: clinical testing. Allele origin: germline.
Comment: Variant summary: ACADM c.145C>G (p.Gln49Glu) results in a conservative amino acid change located in the Acyl-CoA dehydrogenase/oxidase, N-terminal (IPR013786) of the encoded protein sequence. Three of five in-silico tools predict a benign effect of the variant on protein function. The variant was absent in 251324 control chromosomes. The available data on variant occurrences in the general population are insufficient to allow any conclusion about variant significance. c.145C>G has been reported in the literature in individuals affected with Medium Chain Acyl-CoA Dehydrogenase Deficiency (Dessein_2010). These data do not allow any conclusion about variant significance. To our knowledge, no experimental evidence demonstrating an impact on protein function has been reported. The following publication have been ascertained in the context of this evaluation (PMID: 20923556). No submitters have cited clinical-significance assessments for this variant to ClinVar. Based on the evidence outlined above, the variant was classified as uncertain significance.

Literature cited by the submitters: PubMed 20923556.

NM_000016.6(ACADM):c.145C>G (p.Gln49Glu)

Gene: ACADM (acyl-CoA dehydrogenase medium chain; plus strand). Cytogenetic location: 1p31.1.
Variant type: single nucleotide variant.
Coding change: c.145C>G on transcript NM_000016.6 (MANE Select); coding-DNA position 145, C replaced by G.
Protein change: p.Gln49Glu; replaces glutamine 49 with glutamic acid.
Molecular consequence: missense variant. On other transcripts: 5 prime UTR variant (1).
Genome position (GRCh38, 1-based): chr1:75,732,670, C>G. VCF-style: chr1-75732670-C-G. GRCh37 (hg19) VCF-style: chr1-76198355-C-G.
Other names: c.157C>G, p.Gln53Glu (NM_001127328.3); c.37C>G, p.Gln13Glu (NM_001286042.2); c.145C>G, p.Gln49Glu (NM_001286043.2); c.-241C>G (NM_001286044.2); short protein forms Q13E, Q49E, Q53E.
Identifiers: ClinVar variation 3366684 (VCV003366684.1).